The following is an entry in ClinVar:

NM_003036.4(SKI):c.1418C>T (p.Ala473Val)

Gene: SKI (SKI proto-oncogene; plus strand). Cytogenetic location: 1p36.32.
Variant type: single nucleotide variant.
Coding change: c.1418C>T on transcript NM_003036.4 (MANE Select); coding-DNA position 1418, C replaced by T.
Protein change: p.Ala473Val; replaces alanine 473 with valine.
Molecular consequence: missense variant.
Genome position (GRCh38, 1-based): chr1:2,304,046, C>T. VCF-style: chr1-2304046-C-T. GRCh37 (hg19) VCF-style: chr1-2235485-C-T.
Other names: short protein forms A473V.
Identifiers: ClinVar variation 840638 (VCV000840638.11), dbSNP rs1198385228, ClinGen allele CA337956671.
Genomic context (GRCh38, chr1:2,304,046, plus strand): 5'-GGAAGCGGAAGCTGACTGTGGACACCCCAGGAGCCCCAGAGACGCTGGCGCCCGTGGCTG[C>T]CCCAGAGGAGGACAAGGACTCGGAGGCGGAGGTGGAAGTTGAAAGCAGGGAGGAATGTAC-3'
Protein context (NP_003027.1, residues 463-483): GAPETLAPVA[Ala473Val]PEEDKDSEAE

ClinVar aggregate classification (germline): Uncertain significance. Review status: criteria provided, multiple submitters, no conflicts (2 of 4 stars). 2 submissions from 2 submitters: Uncertain significance (2). Last evaluated 2023-12-09.

Conditions:
Familial thoracic aortic aneurysm and aortic dissection (TAAD). Also called: Thoracic aortic aneurysms and dissections. Identifiers: Orphanet 91387, MedGen C4707243, MONDO:0019625.
Shprintzen-Goldberg syndrome (SGS). Also called: Marfanoid disorder with craniosynostosis type 1; Marfanoid craniosynostosis syndrome; Shprintzen-Goldberg marfanoid syndrome; SHPRINTZEN-GOLDBERG CRANIOSYNOSTOSIS SYNDROME; CRANIOSYNOSTOSIS WITH ARACHNODACTYLY AND ABDOMINAL HERNIAS. Identifiers: Orphanet 2462, MedGen C1321551, MONDO:0008426, OMIM 182212.

Allele frequency attached by ClinVar (database versions not stated): gnomAD exomes below 0.00001.
gnomAD v4.1: 2 of 1,612,476 alleles (0.00012%); highest among the groups gnomAD compares: Non-Finnish European, 0.00017%; no homozygotes.

Submissions (2):

Labcorp Genetics (formerly Invitae), Labcorp
Classification: Uncertain significance for Shprintzen-Goldberg syndrome. Last evaluated: 2023-12-09. Review status: criteria provided, single submitter. Criteria: Invitae Variant Classification Sherloc (09022015). Collection method: clinical testing. Allele origin: germline.
Comment: This sequence change replaces alanine, which is neutral and non-polar, with valine, which is neutral and non-polar, at codon 473 of the SKI protein (p.Ala473Val). This variant is not present in population databases (gnomAD no frequency). This variant has not been reported in the literature in individuals affected with SKI-related conditions. ClinVar contains an entry for this variant (Variation ID: 840638). Advanced modeling of protein sequence and biophysical properties (such as structural, functional, and spatial information, amino acid conservation, physicochemical variation, residue mobility, and thermodynamic stability) performed at Invitae indicates that this missense variant is not expected to disrupt SKI protein function with a negative predictive value of 95%. In summary, the available evidence is currently insufficient to determine the role of this variant in disease. Therefore, it has been classified as a Variant of Uncertain Significance.

Ambry Genetics
Classification: Uncertain significance for Familial thoracic aortic aneurysm and aortic dissection. Last evaluated: 2023-03-07. Review status: criteria provided, single submitter. Criteria: Ambry Variant Classification Scheme 2023. Collection method: clinical testing. Allele origin: germline.
Comment: The p.A473V variant (also known as c.1418C>T), located in coding exon 4 of the SKI gene, results from a C to T substitution at nucleotide position 1418. The alanine at codon 473 is replaced by valine, an amino acid with similar properties. This amino acid position is conserved. In addition, this alteration is predicted to be tolerated by in silico analysis. Since supporting evidence is limited at this time, the clinical significance of this alteration remains unclear.